The following is an entry in ClinVar:

ClinVar aggregate classification (germline): Uncertain significance. Review status: criteria provided, multiple submitters, no conflicts (2 of 4 stars). 2 submissions from 2 submitters: Uncertain significance (2). Last evaluated 2024-12-15.

Conditions:
Peripheral neuropathy. Also called: Neuropathy. Identifiers: MedGen C0031117, MONDO:0005244, HP:0009830.

Allele frequency attached by ClinVar (database versions not stated): gnomAD exomes 0.00002 and 0.00004; TOPMed 0.00003; ExAC 0.00002; gnomAD 0.00003 and 0.00004.
gnomAD v4.1: 67 of 1,613,430 alleles (0.0042%); highest among the groups gnomAD compares: Non-Finnish European, 0.0052%; no homozygotes.

Submissions (2):

Ambry Genetics
Classification: Uncertain significance. Last evaluated: 2024-12-15. Review status: criteria provided, single submitter. Criteria: Ambry Variant Classification Scheme 2023. Collection method: clinical testing. Allele origin: germline.

Labcorp Genetics (formerly Invitae), Labcorp
Classification: Uncertain significance for Peripheral neuropathy. Last evaluated: 2021-02-09. Review status: criteria provided, single submitter. Criteria: Invitae Variant Classification Sherloc (09022015). Collection method: clinical testing. Allele origin: germline.
Comment: In summary, the available evidence is currently insufficient to determine the role of this variant in disease. Therefore, it has been classified as a Variant of Uncertain Significance. Algorithms developed to predict the effect of missense changes on protein structure and function (SIFT, PolyPhen-2, Align-GVGD) all suggest that this variant is likely to be disruptive, but these predictions have not been confirmed by published functional studies and their clinical significance is uncertain. This variant has not been reported in the literature in individuals with FLRT1-related disease. This variant is present in population databases (rs767022154, ExAC 0.003%). This sequence change replaces arginine with glutamine at codon 364 of the FLRT1 protein (p.Arg364Gln). The arginine residue is highly conserved and there is a small physicochemical difference between arginine and glutamine.

NM_013280.5(FLRT1):c.1091G>A (p.Arg364Gln)

Genes: MACROD1 (mono-ADP ribosylhydrolase 1; minus strand), FLRT1 (fibronectin leucine rich transmembrane protein 1; plus strand). Cytogenetic location: 11q13.1.
Variant type: single nucleotide variant.
Coding change: c.1091G>A on transcript NM_013280.5 (MANE Select); coding-DNA position 1091, G replaced by A.
Protein change: p.Arg364Gln; replaces arginine 364 with glutamine.
Molecular consequence: missense variant. On other transcripts: intron variant (2).
Genome position (GRCh38, 1-based): chr11:64,117,358, G>A. VCF-style: chr11-64117358-G-A. GRCh37 (hg19) VCF-style: chr11-63884830-G-A.
Other names: c.1091G>A, p.Arg364Gln (NM_001384466.1); c.1007G>A, p.Arg336Gln (NM_001423967.1); c.517+33881C>T (NM_001411019.1, NM_014067.4); short protein forms R364Q, R336Q.
Identifiers: ClinVar variation 565723 (VCV000565723.10), dbSNP rs767022154, ClinGen allele CA6067614.
Genomic context (GRCh38, chr11:64,117,358, plus strand): 5'-AGGCACGGGCGGCCGTGGTCAACGTGCGGGGCCTCATGTGCCAGGGCCCTGAGAAGGTCC[G>A]GGGCATGGCCATCAAGGACATTACCAGCGAGATGGACGAGTGTTTTGAGACGGGGCCGCA-3'
Protein context (NP_037412.2, residues 354-374): GLMCQGPEKV[Arg364Gln]GMAIKDITSE